The following is an entry in ClinVar:

ClinVar aggregate classification (germline): Uncertain significance (1 of 4 stars; one submission).

Submission:

Labcorp Genetics (formerly Invitae), Labcorp
Classification: Uncertain significance. Last evaluated: 2022-06-13. Review status: criteria provided, single submitter. Criteria: Invitae Variant Classification Sherloc (09022015). Collection method: clinical testing. Allele origin: germline.
Comment: In summary, the available evidence is currently insufficient to determine the role of this variant in disease. Therefore, it has been classified as a Variant of Uncertain Significance. Algorithms developed to predict the effect of missense changes on protein structure and function are either unavailable or do not agree on the potential impact of this missense change (SIFT: "Not Available"; PolyPhen-2: "Possibly Damaging"; Align-GVGD: "Not Available"). This variant has not been reported in the literature in individuals affected with TCF3-related conditions. This variant is not present in population databases (gnomAD no frequency). This sequence change replaces glycine, which is neutral and non-polar, with glutamic acid, which is acidic and polar, at codon 99 of the TCF3 protein (p.Gly99Glu).

NM_003200.5(TCF3):c.296G>A (p.Gly99Glu)

Gene: TCF3 (transcription factor 3; minus strand). Cytogenetic location: 19p13.3.
Variant type: single nucleotide variant.
Coding change: c.296G>A on transcript NM_003200.5 (MANE Select); coding-DNA position 296, G replaced by A.
Protein change: p.Gly99Glu; replaces glycine 99 with glutamic acid.
Molecular consequence: missense variant.
Genome position (GRCh38, 1-based): chr19:1,632,040, C>T on the plus strand (G>A on the coding strand, the complement: TCF3 is on the minus strand). VCF-style: chr19-1632040-C-T. GRCh37 (hg19) VCF-style: chr19-1632039-C-T.
Other names: c.296G>A, p.Gly99Glu (NM_001136139.4, NM_001351778.2, NM_001351779.2); short protein forms G99E.
Identifiers: ClinVar variation 2005505 (VCV002005505.4), dbSNP rs2514234284, ClinGen allele CA403079880.
Genomic context (GRCh38, chr19:1,632,040, plus strand): 5'-AGGCCCACGTCTGCACATCTGTGCACAGCAGAGGGACCGCACCAGGCCAGGCACTCACCT[C>T]CGAGTCCCGGTCCCAGGAATGTGGATGAAGAGAGGCTGCTGTGCGACTCAGTGAAGTGGG-3'
Protein context (NP_003191.1, residues 89-109): SSSTFLGPGL[Gly99Glu]GKSGERGAYA